The following is an entry in ClinVar:

ClinVar aggregate classification (germline): Uncertain significance (1 of 4 stars; one submission).

Conditions:
Inborn genetic diseases. Identifiers: MedGen C0950123, MeSH D030342.

gnomAD v4.1: 2 of 1,600,410 alleles (0.00012%); highest among the groups gnomAD compares: Non-Finnish European, 0.00017%; no homozygotes.

Submission:

Ambry Genetics
Classification: Uncertain significance for Inborn genetic diseases. Last evaluated: 2025-06-27. Review status: criteria provided, single submitter. Criteria: Ambry Variant Classification Scheme 2023. Collection method: clinical testing. Allele origin: germline.
Comment: The p.P1031H variant (also known as c.3092C>A), located in coding exon 30 of the RTEL1 gene, results from a C to A substitution at nucleotide position 3092. The proline at codon 1031 is replaced by histidine, an amino acid with similar properties. This amino acid position is conserved. In addition, this alteration is predicted to be tolerated by in silico analysis. Based on the available evidence, the clinical significance of this variant remains unclear.

NM_001283009.2(RTEL1):c.3092C>A (p.Pro1031His)

Genes: RTEL1 (regulator of telomere elongation helicase 1; plus strand), RTEL1-TNFRSF6B (RTEL1-TNFRSF6B readthrough (NMD candidate); plus strand). Cytogenetic location: 20q13.33.
Variant type: single nucleotide variant.
Coding change: c.3092C>A on transcript NM_001283009.2 (MANE Select); coding-DNA position 3092, C replaced by A.
Protein change: p.Pro1031His; replaces proline 1031 with histidine.
Molecular consequence: missense variant. On other transcripts: non-coding transcript variant (1).
Genome position (GRCh38, 1-based): chr20:63,694,471, C>A. VCF-style: chr20-63694471-C-A. GRCh37 (hg19) VCF-style: chr20-62325824-C-A.
Other names: c.2423C>A, p.Pro808His (NM_001283010.1); c.3092C>A, p.Pro1031His (NM_016434.4); c.3164C>A, p.Pro1055His (NM_032957.5); short protein forms P1031H, P1055H, P808H.
Identifiers: ClinVar variation 4157579 (VCV004157579.1).
Genomic context (GRCh38, chr20:63,694,471, plus strand): 5'-CTGCAGCCCAGCAGCTGGACCCCCAAGAGCACCTGAACCAGGGCAGGCCCCACCTGTCGC[C>A]CAGGCCACCCCCAACAGGTAGCTGACTCCTGAACCGTGTGCAGCCTACGACTTGGTGGGT-3'
Protein context (NP_001269938.1, residues 1021-1041): HLNQGRPHLS[Pro1031His]RPPPTGDPGS